The following is an entry in ClinVar:

NM_138694.4(PKHD1):c.11360C>G (p.Ser3787Ter)

Gene: PKHD1 (PKHD1 ciliary IPT domain containing fibrocystin/polyductin; minus strand). Cytogenetic location: 6p12.3.
Variant type: single nucleotide variant.
Coding change: c.11360C>G on transcript NM_138694.4 (MANE Select); coding-DNA position 11360, C replaced by G.
Protein change: p.Ser3787Ter; replaces serine 3787 with a stop codon.
Molecular consequence: nonsense.
Genome position (GRCh38, 1-based): chr6:51,648,069, G>C on the plus strand (C>G on the coding strand, the complement: PKHD1 is on the minus strand). VCF-style: chr6-51648069-G-C. GRCh37 (hg19) VCF-style: chr6-51512867-G-C.
Other names: short protein forms S3787*.
Identifiers: ClinVar variation 4137821 (VCV004137821.1).

ClinVar aggregate classification (germline): Pathogenic (1 of 4 stars; one submission).

Conditions:
Inborn genetic diseases. Identifiers: MedGen C0950123, MeSH D030342.

Submission:

Ambry Genetics
Classification: Pathogenic for Inborn genetic diseases. Last evaluated: 2025-08-05. Review status: criteria provided, single submitter. Criteria: Ambry Variant Classification Scheme 2023. Collection method: clinical testing. Allele origin: germline.
Comment: The c.11360C>G (p.S3787*) alteration, located in exon 63 (coding exon 62) of the PKHD1 gene, consists of a C to G substitution at nucleotide position 11360. This changes the amino acid from a serine (S) to a stop codon at amino acid position 3787. This alteration is expected to result in loss of function by premature protein truncation or nonsense-mediated mRNA decay. This variant was not reported in population-based cohorts in the Genome Aggregation Database (gnomAD). Based on the available evidence, this alteration is classified as pathogenic.